The following is an entry in ClinVar:

ClinVar aggregate classification (germline): Benign/Likely benign. Review status: criteria provided, multiple submitters, no conflicts (2 of 4 stars). 6 submissions from 6 submitters: Benign (5); Likely benign (1). Last evaluated 2026-01-20.

Conditions:
Spinocerebellar ataxia type 11 (SCA11). Identifiers: Orphanet 98767, MedGen C1858351, MONDO:0011464, OMIM 604432.

Allele frequency attached by ClinVar (database versions not stated): 1000 Genomes Project 0.00859; 1000 Genomes Project 30x 0.00968; ESP Exome Variant Server 0.01029; TOPMed 0.01062.
gnomAD v4.1: 2,811 of 1,613,336 alleles (0.17%); highest among the groups gnomAD compares: African/African-American, 3.4%; 51 homozygotes.

Submissions (6):

Labcorp Genetics (formerly Invitae), Labcorp
Classification: Benign. Last evaluated: 2026-01-20. Review status: criteria provided, single submitter. Criteria: Invitae Variant Classification Sherloc (09022015). Collection method: clinical testing. Allele origin: germline.

Athena Diagnostics
Classification: Benign. Last evaluated: 2024-03-01. Review status: criteria provided, single submitter. Criteria: Athena Diagnostics Criteria. Collection method: clinical testing. Allele origin: unknown.

Mayo Clinic Laboratories, Mayo Clinic
Classification: Benign. Last evaluated: 2024-02-21. Review status: criteria provided, single submitter. Criteria: ACMG Guidelines, 2015. Collection method: clinical testing. Allele origin: germline. Observed: 2 variant alleles.
Comment: BS1, BS2, BP4

GeneDx
Classification: Likely benign. Last evaluated: 2022-09-02. Review status: criteria provided, single submitter. Criteria: GeneDx Variant Classification Process June 2021. Collection method: clinical testing. Allele origin: germline. Affected: yes.
Comment: See Variant Classification Assertion Criteria.

Illumina Laboratory Services, Illumina
Classification: Benign for Spinocerebellar ataxia type 11. Last evaluated: 2018-01-13. Review status: criteria provided, single submitter. Criteria: ICSL Variant Classification Criteria 13 December 2019. Collection method: clinical testing. Allele origin: germline.
Comment: This variant was observed in the ICSL laboratory as part of a predisposition screen in an ostensibly healthy population. It had not been previously curated by ICSL or reported in the Human Gene Mutation Database (HGMD: prior to June 1st, 2018), and was therefore a candidate for classification through an automated scoring system. Utilizing variant allele frequency, disease prevalence and penetrance estimates, and inheritance mode, an automated score was calculated to assess if this variant is too frequent to cause the disease. Based on the score and internal cut-off values, a variant classified as benign is not then subjected to further curation. The score for this variant resulted in a classification of benign for this disease.

Breakthrough Genomics
Classification: Benign. Review status: criteria provided, single submitter. Criteria: ACMG Guidelines, 2015. Collection method: not provided. Allele origin: germline. Inheritance: Autosomal dominant inheritance. Affected: yes.

NM_173500.4(TTBK2):c.1499G>C (p.Arg500Pro)

Gene: TTBK2 (tau tubulin kinase 2; minus strand). Cytogenetic location: 15q15.2.
Variant type: single nucleotide variant.
Coding change: c.1499G>C on transcript NM_173500.4 (MANE Select); coding-DNA position 1499, G replaced by C.
Protein change: p.Arg500Pro; replaces arginine 500 with proline.
Molecular consequence: missense variant.
Genome position (GRCh38, 1-based): chr15:42,775,634, C>G on the plus strand (G>C on the coding strand, the complement: TTBK2 is on the minus strand). VCF-style: chr15-42775634-C-G. GRCh37 (hg19) VCF-style: chr15-43067832-C-G.
Other names: short protein forms R500P.
Identifiers: ClinVar variation 315993 (VCV000315993.18), dbSNP rs56039839, ClinGen allele CA7516876.